The following is an entry in ClinVar:

NM_001009999.3(KDM1A):c.517+3G>A

Gene: KDM1A (lysine demethylase 1A; plus strand). Cytogenetic location: 1p36.12.
Variant type: single nucleotide variant.
Coding change: c.517+3G>A on transcript NM_001009999.3 (MANE Select); 3 bases into the intron after coding-DNA position 517, G replaced by A.
Molecular consequence: intron variant.
Genome position (GRCh38, 1-based): chr1:23,030,637, G>A. VCF-style: chr1-23030637-G-A. GRCh37 (hg19) VCF-style: chr1-23357130-G-A.
Other names: c.517+3G>A (NM_001410762.1, NM_001363654.2, NM_001410763.1 and 1 more transcripts).
Identifiers: ClinVar variation 4734149 (VCV004734149.1).

ClinVar aggregate classification (germline): Uncertain significance (1 of 4 stars; one submission).

Submission:

Labcorp Genetics (formerly Invitae), Labcorp
Classification: Uncertain significance. Last evaluated: 2025-12-24. Review status: criteria provided, single submitter. Criteria: Invitae Variant Classification Sherloc (09022015). Collection method: clinical testing. Allele origin: germline.
Comment: This sequence change falls in intron 2 of the KDM1A gene. It does not directly change the encoded amino acid sequence of the KDM1A protein. It affects a nucleotide within the consensus splice site. This variant is not present in population databases (gnomAD no frequency). This variant has not been reported in the literature in individuals affected with KDM1A-related conditions. Variants that disrupt the consensus splice site are a relatively common cause of aberrant splicing (PMID: 17576681, 9536098). Algorithms developed to predict the effect of sequence changes on RNA splicing suggest that this variant is not likely to affect RNA splicing. In summary, the available evidence is currently insufficient to determine the role of this variant in disease. Therefore, it has been classified as a Variant of Uncertain Significance.

Literature cited by the submitters: PubMed 17576681; PubMed 9536098.